The following is an entry in ClinVar:

ClinVar aggregate classification (germline): Uncertain significance (0 of 4 stars; one submission).

Conditions:
F8-related disorder. Also called: F8-related condition.

Allele frequency attached by ClinVar (database versions not stated): gnomAD exomes below 0.00001.
gnomAD v4.1: 3 of 1,205,536 alleles (0.00025%); highest among the groups gnomAD compares: Non-Finnish European, 0.00034%; no homozygotes.

Submission:

PreventionGenetics, part of Exact Sciences
Classification: Uncertain significance for F8-related condition. Last evaluated: 2024-01-10. Review status: no assertion criteria provided. Collection method: clinical testing. Allele origin: germline.
Comment: The F8 c.3619C>A variant is predicted to result in the amino acid substitution p.His1207Asn. To our knowledge, this variant has not been reported in the literature or in a large population database, indicating this variant is rare. At this time, the clinical significance of this variant is uncertain due to the absence of conclusive functional and genetic evidence.

NM_000132.4(F8):c.3619C>A (p.His1207Asn)

Gene: F8 (coagulation factor VIII; minus strand). Cytogenetic location: Xq28.
Variant type: single nucleotide variant.
Coding change: c.3619C>A on transcript NM_000132.4 (MANE Select); coding-DNA position 3619, C replaced by A.
Protein change: p.His1207Asn; replaces histidine 1207 with asparagine.
Molecular consequence: missense variant.
Genome position (GRCh38, 1-based): chrX:154,930,171, G>T on the plus strand (C>A on the coding strand, the complement: F8 is on the minus strand). VCF-style: chrX-154930171-G-T. GRCh37 (hg19) VCF-style: chrX-154158446-G-T.
Other names: short protein forms H1207N.
Identifiers: ClinVar variation 3032915 (VCV003032915.2), dbSNP rs2523912318, ClinGen allele CA414895555.